The following is an entry in ClinVar:

NM_003476.5(CSRP3):c.279del (p.Gln93fs)

Gene: CSRP3 (cysteine and glycine rich protein 3; minus strand). Cytogenetic location: 11p15.1.
Variant type: Deletion.
Coding change: c.279del on transcript NM_003476.5 (MANE Select); coding-DNA position 279, one base deleted (A; older notation c.279delA).
Protein change: p.Gln93fs; shifts the reading frame from glutamine 93.
Molecular consequence: frameshift variant. On other transcripts: intron variant (1).
Genome position (GRCh38, 1-based): chr11:19,188,138, T deleted on the plus strand (A on the coding strand, the reverse complement: CSRP3 is on the minus strand); the first of 2 consecutive T bases (chr11:19,188,138-19,188,139); deleting either gives the same sequence. VCF-style (leftmost placement, unchanged base first): chr11-19188137-GT-G. GRCh37 (hg19) VCF-style: chr11-19209684-GT-G.
Other names: c.113-1790del (NM_001369404.1); c.278delA, p.Gln93Hisfs (NM_001127656.1); short protein forms Q93fs.
Identifiers: ClinVar variation 2951005 (VCV002951005.3), dbSNP rs2494223132, ClinGen allele CA2574777575.

ClinVar aggregate classification (germline): Pathogenic (1 of 4 stars; one submission).

Conditions:
Hypertrophic cardiomyopathy 12. Identifiers: MedGen C2677491, MONDO:0012804, OMIM 612124.
Dilated cardiomyopathy 1M (CMD1M). Identifiers: Orphanet 154, MedGen C1843808, MONDO:0011840, OMIM 607482.

Submission:

Labcorp Genetics (formerly Invitae), Labcorp
Classification: Pathogenic for Hypertrophic cardiomyopathy 12; Dilated cardiomyopathy 1M. Last evaluated: 2023-08-16. Review status: criteria provided, single submitter. Criteria: Invitae Variant Classification Sherloc (09022015). Collection method: clinical testing. Allele origin: germline.
Comment: This variant has not been reported in the literature in individuals affected with CSRP3-related conditions. This variant is not present in population databases (gnomAD no frequency). This sequence change results in a frameshift in the CSRP3 gene (p.Gln93Hisfs*115). While this is not anticipated to result in nonsense mediated decay, it is expected to disrupt the last 102 amino acid(s) of the CSRP3 protein and extend the protein by 12 additional amino acid residues. This variant disrupts a region of the CSRP3 protein in which other variant(s) (p.Phe110Serfs*98) have been determined to be pathogenic (Invitae). This suggests that this is a clinically significant region of the protein, and that variants that disrupt it are likely to be disease-causing. For these reasons, this variant has been classified as Pathogenic.